The following is an entry in ClinVar:

NM_003325.4(HIRA):c.1794T>C (p.Leu598=)

Gene: HIRA (histone cell cycle regulator; minus strand). Cytogenetic location: 22q11.21.
Variant type: single nucleotide variant.
Coding change: c.1794T>C on transcript NM_003325.4 (MANE Select); coding-DNA position 1794, T replaced by C.
Protein change: p.Leu598=; no amino-acid change (leucine 598 retained).
Molecular consequence: synonymous variant.
Genome position (GRCh38, 1-based): chr22:19,361,913, A>G on the plus strand (T>C on the coding strand, the complement: HIRA is on the minus strand). VCF-style: chr22-19361913-A-G. GRCh37 (hg19) VCF-style: chr22-19349436-A-G.
Identifiers: ClinVar variation 748038 (VCV000748038.5), dbSNP rs369009612, ClinGen allele CA10099578.
Genomic context (GRCh38, chr22:19,361,913, plus strand): 5'-GACTTTCTCATCGCTGTCACTGCTGCTCTCCAGGAGGTCTCGGGGCCTCAGCTCTTTCAC[A>G]AGGTTCTGCTCTTTTAACCTGCACAAAAACATTACATCACACTTCCCTTCAGAAACCATT-3'
Protein context (NP_003316.3, residues 588-608): TAVERLKEQN[Leu598=]VKELRPRDLL

ClinVar aggregate classification (germline): Likely benign. Review status: criteria provided, single submitter (1 of 4 stars). 2 submissions from 2 submitters: Likely benign (1). 1 of the submissions does not count toward it. Last evaluated 2018-05-31.

Conditions:
HIRA-related disorder.

Allele frequency attached by ClinVar (database versions not stated): ExAC 0.00002; gnomAD exomes 0.00002; gnomAD 0.00003; TOPMed 0.00003; ESP Exome Variant Server 0.00008.
gnomAD v4.1: 171 of 1,614,034 alleles (0.011%); highest among the groups gnomAD compares: Middle Eastern, 0.066%; no homozygotes.

Submissions (2):

Labcorp Genetics (formerly Invitae), Labcorp
Classification: Likely benign. Last evaluated: 2018-05-31. Review status: criteria provided, single submitter. Criteria: Invitae Variant Classification Sherloc (09022015). Collection method: clinical testing. Allele origin: germline.

PreventionGenetics, part of Exact Sciences
Classification: Likely benign for HIRA-related condition. Last evaluated: 2019-06-28. Review status: no assertion criteria provided. Collection method: clinical testing. Allele origin: germline. Not counted in ClinVar's aggregate classification.
Comment: This variant is classified as likely benign based on ACMG/AMP sequence variant interpretation guidelines (Richards et al. 2015 PMID: 25741868, with internal and published modifications).